The following is an entry in ClinVar:

ClinVar aggregate classification (germline): Uncertain significance. Review status: criteria provided, multiple submitters, no conflicts (2 of 4 stars). 2 submissions from 2 submitters: Uncertain significance (2). Last evaluated 2024-07-15.

Conditions:
CHARGE syndrome (CHARGE). Also called: Hittner Hirsch Kreh syndrome; CHARGE ASSOCIATION--COLOBOMA, HEART ANOMALY, CHOANAL ATRESIA, RETARDATION, GENITAL AND EAR ANOMALIES; Coloboma, heart anomaly, choanal atresia, retardation, genital and ear anomalies; CHARGE association; Hall-Hittner syndrome. Identifiers: Orphanet 138, MedGen C0265354, MONDO:0008965.

Submissions (2):

Labcorp Genetics (formerly Invitae), Labcorp
Classification: Uncertain significance for CHARGE syndrome. Last evaluated: 2024-07-15. Review status: criteria provided, single submitter. Criteria: Invitae Variant Classification Sherloc (09022015). Collection method: clinical testing. Allele origin: germline.
Comment: This sequence change replaces valine, which is neutral and non-polar, with isoleucine, which is neutral and non-polar, at codon 2156 of the CHD7 protein (p.Val2156Ile). This variant is not present in population databases (gnomAD no frequency). This variant has not been reported in the literature in individuals affected with CHD7-related conditions. ClinVar contains an entry for this variant (Variation ID: 2505600). Advanced modeling of protein sequence and biophysical properties (such as structural, functional, and spatial information, amino acid conservation, physicochemical variation, residue mobility, and thermodynamic stability) performed at Invitae indicates that this missense variant is not expected to disrupt CHD7 protein function with a negative predictive value of 95%. In summary, the available evidence is currently insufficient to determine the role of this variant in disease. Therefore, it has been classified as a Variant of Uncertain Significance.

GeneDx
Classification: Uncertain significance. Last evaluated: 2022-12-16. Review status: criteria provided, single submitter. Criteria: GeneDx Variant Classification Process June 2021. Collection method: clinical testing. Allele origin: germline. Affected: yes.
Comment: Not observed at significant frequency in large population cohorts (gnomAD); In silico analysis supports that this missense variant does not alter protein structure/function; Has not been previously published as pathogenic or benign to our knowledge

NM_017780.4(CHD7):c.6466G>A (p.Val2156Ile)

Gene: CHD7 (chromodomain helicase DNA binding protein 7; plus strand). Cytogenetic location: 8q12.2.
Variant type: single nucleotide variant.
Coding change: c.6466G>A on transcript NM_017780.4 (MANE Select); coding-DNA position 6466, G replaced by A.
Protein change: p.Val2156Ile; replaces valine 2156 with isoleucine.
Molecular consequence: missense variant. On other transcripts: intron variant (1).
Genome position (GRCh38, 1-based): chr8:60,853,191, G>A. VCF-style: chr8-60853191-G-A. GRCh37 (hg19) VCF-style: chr8-61765750-G-A.
Other names: c.1717-9038G>A (NM_001316690.1); short protein forms V2156I.
Identifiers: ClinVar variation 2505600 (VCV002505600.3), dbSNP rs2488044031, ClinGen allele CA371325328.